The following is an entry in ClinVar:

ClinVar aggregate classification (germline): Uncertain significance. Review status: criteria provided, multiple submitters, no conflicts (2 of 4 stars). 2 submissions from 2 submitters: Uncertain significance (2). Last evaluated 2025-12-22.

Allele frequency attached by ClinVar (database versions not stated): gnomAD 0.00001; gnomAD exomes 0.00001; TOPMed 0.00001; 1000 Genomes Project 30x 0.00016; 1000 Genomes Project 0.00020.
gnomAD v4.1: 22 of 1,614,128 alleles (0.0014%); highest among the groups gnomAD compares: Admixed American, 0.005%; no homozygotes.

Submissions (2):

Ambry Genetics
Classification: Uncertain significance. Last evaluated: 2025-12-22. Review status: criteria provided, single submitter. Criteria: Ambry Variant Classification Scheme 2023. Collection method: clinical testing. Allele origin: germline.

Labcorp Genetics (formerly Invitae), Labcorp
Classification: Uncertain significance. Last evaluated: 2023-02-24. Review status: criteria provided, single submitter. Criteria: Invitae Variant Classification Sherloc (09022015). Collection method: clinical testing. Allele origin: germline.
Comment: In summary, the available evidence is currently insufficient to determine the role of this variant in disease. Therefore, it has been classified as a Variant of Uncertain Significance. Advanced modeling of protein sequence and biophysical properties (such as structural, functional, and spatial information, amino acid conservation, physicochemical variation, residue mobility, and thermodynamic stability) performed at Invitae indicates that this missense variant is not expected to disrupt PRPF6 protein function. ClinVar contains an entry for this variant (Variation ID: 1345787). This variant has not been reported in the literature in individuals affected with PRPF6-related conditions. This variant is present in population databases (rs192192899, gnomAD 0.006%). This sequence change replaces valine, which is neutral and non-polar, with isoleucine, which is neutral and non-polar, at codon 525 of the PRPF6 protein (p.Val525Ile).

NM_012469.4(PRPF6):c.1573G>A (p.Val525Ile)

Genes: PRPF6 (pre-mRNA processing factor 6; plus strand), LOC126863090 (P300/CBP strongly-dependent group 1 enhancer GRCh37_chr20:62648052-62649251; plus strand). Cytogenetic location: 20q13.33.
Variant type: single nucleotide variant.
Coding change: c.1573G>A on transcript NM_012469.4 (MANE Select); coding-DNA position 1573, G replaced by A.
Protein change: p.Val525Ile; replaces valine 525 with isoleucine.
Molecular consequence: missense variant.
Genome position (GRCh38, 1-based): chr20:64,016,771, G>A. VCF-style: chr20-64016771-G-A. GRCh37 (hg19) VCF-style: chr20-62648124-G-A.
Other names: c.1573G>A (NM_012469.3); short protein forms V525I.
Identifiers: ClinVar variation 1345787 (VCV001345787.7), dbSNP rs192192899, ClinGen allele CA317540127.
Genomic context (GRCh38, chr20:64,016,771, plus strand): 5'-TTCCTCTTTCAGGATGCCGAGGAATGTGACAGGGCTGGGAGTGTGGCCACCTGCCAGGCC[G>A]TCATGCGTGCCGTGATTGGGATTGGGATTGAGGAGGAAGATCGGAAGCATACCTGGATGG-3'
Protein context (NP_036601.2, residues 515-535): RAGSVATCQA[Val525Ile]MRAVIGIGIE